The following is an entry in ClinVar:

ClinVar aggregate classification (germline): Likely benign (1 of 4 stars; one submission).

Conditions:
MCHR1-related disorder. Also called: MCHR1-related condition.

gnomAD v4.1: 71 of 1,613,934 alleles (0.0044%); highest among the groups gnomAD compares: Non-Finnish European, 0.0054%; no homozygotes.

Submission:

PreventionGenetics, part of Exact Sciences
Classification: Likely benign for MCHR1-related condition. Last evaluated: 2026-08-13. Review status: criteria provided, single submitter. Criteria: ACMG Guidelines, 2015. Collection method: clinical testing. Allele origin: germline.
Comment: This variant is classified as likely benign based on ACMG/AMP sequence variant interpretation guidelines (Richards et al. 2015 PMID: 25741868, with internal and published modifications).

NM_005297.4(MCHR1):c.258G>A (p.Ser86=)

Gene: MCHR1 (melanin concentrating hormone receptor 1; plus strand). Cytogenetic location: 22q13.2.
Variant type: single nucleotide variant.
Coding change: c.258G>A on transcript NM_005297.4 (MANE Select); coding-DNA position 258, G replaced by A.
Protein change: p.Ser86=; no amino-acid change (serine 86 retained).
Molecular consequence: synonymous variant.
Genome position (GRCh38, 1-based): chr22:40,681,124, G>A. VCF-style: chr22-40681124-G-A. GRCh37 (hg19) VCF-style: chr22-41077128-G-A.
Identifiers: ClinVar variation 4979819 (VCV004979819.1).